The following is an entry in ClinVar:

NM_025103.4(IFT74):c.1259T>A (p.Met420Lys)

Gene: IFT74 (intraflagellar transport 74; plus strand). Cytogenetic location: 9p21.2.
Variant type: single nucleotide variant.
Coding change: c.1259T>A on transcript NM_025103.4 (MANE Select); coding-DNA position 1259, T replaced by A.
Protein change: p.Met420Lys; replaces methionine 420 with lysine.
Molecular consequence: missense variant.
Genome position (GRCh38, 1-based): chr9:27,048,200, T>A. VCF-style: chr9-27048200-T-A. GRCh37 (hg19) VCF-style: chr9-27048198-T-A.
Other names: c.1259T>A, p.Met420Lys (NM_001099222.3, NM_001099223.3, NM_001349928.2); short protein forms M420K.
Identifiers: ClinVar variation 3354748 (VCV003354748.1).

ClinVar aggregate classification (germline): Uncertain significance (0 of 4 stars; one submission).

Conditions:
IFT74-related disorder. Also called: IFT74-related condition; IFT74-Related Disorders.

gnomAD v4.1: 8 of 1,600,914 alleles (0.0005%); highest among the groups gnomAD compares: African/African-American, 0.011%; no homozygotes.

Submission:

PreventionGenetics, part of Exact Sciences
Classification: Uncertain significance for IFT74-related condition. Last evaluated: 2023-12-06. Review status: no assertion criteria provided. Collection method: clinical testing. Allele origin: germline.
Comment: The IFT74 c.1259T>A variant is predicted to result in the amino acid substitution p.Met420Lys. To our knowledge, this variant has not been reported in the literature. This variant is reported in 0.0065% of alleles in individuals of African descent in gnomAD. At this time, the clinical significance of this variant is uncertain due to the absence of conclusive functional and genetic evidence.